The following is an entry in ClinVar:

ClinVar aggregate classification (germline): Uncertain significance (1 of 4 stars; one submission).

Conditions:
Immunodeficiency 39 (IMD39). Identifiers: Orphanet 574918, MedGen C4225358, MONDO:0014597, OMIM 616345.

Allele frequency attached by ClinVar (database versions not stated): TOPMed below 0.00001; ExAC 0.00002; gnomAD exomes 0.00001.
gnomAD v4.1: 5 of 1,598,994 alleles (0.00031%); highest among the groups gnomAD compares: Non-Finnish European, 0.00043%; no homozygotes.

Submission:

Labcorp Genetics (formerly Invitae), Labcorp
Classification: Uncertain significance for Immunodeficiency 39. Last evaluated: 2025-08-24. Review status: criteria provided, single submitter. Criteria: Invitae Variant Classification Sherloc (09022015). Collection method: clinical testing. Allele origin: germline.
Comment: This sequence change replaces proline, which is neutral and non-polar, with leucine, which is neutral and non-polar, at codon 274 of the IRF7 protein (p.Pro274Leu). The frequency data for this variant in the population databases is considered unreliable, as metrics indicate poor data quality at this position in the gnomAD database. This variant has not been reported in the literature in individuals affected with IRF7-related conditions. ClinVar contains an entry for this variant (Variation ID: 2721484). Invitae Evidence Modeling of protein sequence and biophysical properties (such as structural, functional, and spatial information, amino acid conservation, physicochemical variation, residue mobility, and thermodynamic stability) indicates that this missense variant is not expected to disrupt IRF7 protein function with a negative predictive value of 80%. In summary, the available evidence is currently insufficient to determine the role of this variant in disease. Therefore, it has been classified as a Variant of Uncertain Significance.

NM_001572.5(IRF7):c.782C>T (p.Pro261Leu)

Gene: IRF7 (interferon regulatory factor 7; minus strand). Cytogenetic location: 11p15.5.
Variant type: single nucleotide variant.
Coding change: c.782C>T on transcript NM_001572.5 (MANE Select); coding-DNA position 782, C replaced by T.
Protein change: p.Pro261Leu; replaces proline 261 with leucine.
Molecular consequence: missense variant.
Genome position (GRCh38, 1-based): chr11:613,850, G>A on the plus strand (C>T on the coding strand, the complement: IRF7 is on the minus strand). VCF-style: chr11-613850-G-A. GRCh37 (hg19) VCF-style: chr11-613850-G-A.
Other names: c.695C>T, p.Pro232Leu (NM_004029.4); c.821C>T, p.Pro274Leu (NM_004031.4); short protein forms P232L, P261L, P274L.
Identifiers: ClinVar variation 2721484 (VCV002721484.3), dbSNP rs761743145, ClinGen allele CA5783747.
Genomic context (GRCh38, chr11:613,850, plus strand): 5'-ACCGCGGTGCAGGCGCTTGGGGAGGGTGACAGGTACGGCTCTGCCTGGTGCGGGGACTCT[G>A]GGGCCGCGGCCTCGCCTGCATCCGGAAGGGAATCCTGTGCTGGCACCTCATCCCTAGCCT-3'
Protein context (NP_001563.2, residues 251-271): AALTTGEAAA[Pro261Leu]ESPHQAEPYL